The following is an entry in ClinVar:

ClinVar aggregate classification (germline): Uncertain significance. Review status: criteria provided, multiple submitters, no conflicts (2 of 4 stars). 2 submissions from 2 submitters: Uncertain significance (2). Last evaluated 2026-03-19.

Conditions:
Inborn genetic diseases. Identifiers: MedGen C0950123, MeSH D030342.

Allele frequency attached by ClinVar (database versions not stated): gnomAD 0.00001; ESP Exome Variant Server 0.00008; ExAC 0.00001; gnomAD exomes below 0.00001; TOPMed 0.00002.
gnomAD v4.1: 4 of 1,614,010 alleles (0.00025%); highest among the groups gnomAD compares: African/African-American, 0.0053%; no homozygotes.

Submissions (2):

Ambry Genetics
Classification: Uncertain significance for Inborn genetic diseases. Last evaluated: 2026-03-19. Review status: criteria provided, single submitter. Criteria: Ambry Variant Classification Scheme 2023. Collection method: clinical testing. Allele origin: germline.

Labcorp Genetics (formerly Invitae), Labcorp
Classification: Uncertain significance. Last evaluated: 2020-01-30. Review status: criteria provided, single submitter. Criteria: Invitae Variant Classification Sherloc (09022015). Collection method: clinical testing. Allele origin: germline.
Comment: This variant is present in population databases (rs140486568, ExAC 0.01%). In summary, the available evidence is currently insufficient to determine the role of this variant in disease. Therefore, it has been classified as a Variant of Uncertain Significance. Algorithms developed to predict the effect of missense changes on protein structure and function (SIFT, PolyPhen-2, Align-GVGD) all suggest that this variant is likely to be disruptive, but these predictions have not been confirmed by published functional studies and their clinical significance is uncertain. This variant has not been reported in the literature in individuals with COL10A1-related conditions. This sequence change replaces valine with alanine at codon 668 of the COL10A1 protein (p.Val668Ala). The valine residue is highly conserved and there is a small physicochemical difference between valine and alanine.

NM_000493.4(COL10A1):c.2003T>C (p.Val668Ala)

Genes: COL10A1 (collagen type X alpha 1 chain; minus strand), NT5DC1 (5'-nucleotidase domain containing 1; plus strand). Cytogenetic location: 6q22.1.
Variant type: single nucleotide variant.
Coding change: c.2003T>C on transcript NM_000493.4 (MANE Select); coding-DNA position 2003, T replaced by C.
Protein change: p.Val668Ala; replaces valine 668 with alanine.
Molecular consequence: missense variant. On other transcripts: intron variant (1).
Genome position (GRCh38, 1-based): chr6:116,120,113, A>G on the plus strand (T>C on the coding strand, the complement: COL10A1 is on the minus strand). VCF-style: chr6-116120113-A-G. GRCh37 (hg19) VCF-style: chr6-116441276-A-G.
Other names: c.2003T>C (NM_000493.3); c.2003T>C, p.Val668Ala (NM_001424106.1, NM_001424107.1); c.529+2168A>G (NM_152729.3); short protein forms V668A.
Identifiers: ClinVar variation 1057031 (VCV001057031.11), dbSNP rs140486568, ClinGen allele CA3968078.
Genomic context (GRCh38, chr6:116,120,113, plus strand): 5'-TAGATTAGCTCTGTGTGTACTCACATTGGAGCCACTAGGAATCCTGAGAAAGAGGAGTGG[A>G]CATACTCAGAGGAGTATAGGCCATTTGACTCGGCATTGGGAAGCTGGAGCCACACCTGGT-3'
Protein context (NP_000484.2, residues 658-678): ESNGLYSSEY[Val668Ala]HSSFSGFLVA